The following is an entry in ClinVar:

NM_000719.7(CACNA1C):c.3224C>T (p.Thr1075Met)

Gene: CACNA1C (calcium voltage-gated channel subunit alpha1 C; plus strand). Cytogenetic location: 12p13.33.
Variant type: single nucleotide variant.
Coding change: c.3224C>T on transcript NM_000719.7 (MANE Select); coding-DNA position 3224, C replaced by T.
Protein change: p.Thr1075Met; replaces threonine 1075 with methionine.
Molecular consequence: missense variant.
Genome position (GRCh38, 1-based): chr12:2,606,998, C>T. VCF-style: chr12-2606998-C-T. GRCh37 (hg19) VCF-style: chr12-2716164-C-T.
Other names: c.3224C>T, p.Thr1075Met (NM_001167624.3, NM_001167625.2, NM_001129829.2 and 15 more transcripts); c.3284C>T, p.Thr1095Met (NM_199460.4, NM_001129827.2, NM_001129832.2); c.3215C>T, p.Thr1072Met (NM_001129844.2); short protein forms T1075M, T1095M, T1072M.
Identifiers: ClinVar variation 3671377 (VCV003671377.2).
Genomic context (GRCh38, chr12:2,606,998, plus strand): 5'-GGAAGATGGGAGATCCCAGAGTAAACTCCTTCTCCTCCTCTCTCAGGGGCAACTACATCA[C>T]GTACAAAGACGGGGAGGTTGACCACCCCATCATCCAACCCCGCAGCTGGGAGAACAGCAA-3'
Protein context (NP_000710.5, residues 1065-1085): TEAECKGNYI[Thr1075Met]YKDGEVDHPI

ClinVar aggregate classification (germline): Uncertain significance (1 of 4 stars; one submission).

Conditions:
Long QT syndrome (LQTS). Identifiers: MedGen C0023976, MeSH D008133, MONDO:0002442. Disease mechanism: loss of function. Inheritance: Various modes of inheritance.

gnomAD v4.1: 13 of 1,613,848 alleles (0.00081%); highest among the groups gnomAD compares: Admixed American, 0.0033%; no homozygotes.

Submission:

Labcorp Genetics (formerly Invitae), Labcorp
Classification: Uncertain significance for Long QT syndrome. Last evaluated: 2025-10-03. Review status: criteria provided, single submitter. Criteria: Invitae Variant Classification Sherloc (09022015). Collection method: clinical testing. Allele origin: germline.
Comment: This sequence change replaces threonine, which is neutral and polar, with methionine, which is neutral and non-polar, at codon 1075 of the CACNA1C protein (p.Thr1075Met). This variant is present in population databases (rs766410481, gnomAD 0.006%). This variant has not been reported in the literature in individuals affected with CACNA1C-related conditions. ClinVar contains an entry for this variant (Variation ID: 3671377). Invitae Evidence Modeling of protein sequence and biophysical properties (such as structural, functional, and spatial information, amino acid conservation, physicochemical variation, residue mobility, and thermodynamic stability) has been performed for this missense variant. However, the output from this modeling did not meet the statistical confidence thresholds required to predict the impact of this variant on CACNA1C protein function. In summary, the available evidence is currently insufficient to determine the role of this variant in disease. Therefore, it has been classified as a Variant of Uncertain Significance.